The following is an entry in ClinVar:

NM_206933.4(USH2A):c.6486G>A (p.Gln2162=)

Gene: USH2A (usherin; minus strand). Cytogenetic location: 1q41.
Variant type: single nucleotide variant.
Coding change: c.6486G>A on transcript NM_206933.4 (MANE Select); coding-DNA position 6486, G replaced by A.
Protein change: p.Gln2162=; no amino-acid change (glutamine 2162 retained).
Molecular consequence: synonymous variant.
Genome position (GRCh38, 1-based): chr1:215,999,058, C>T on the plus strand (G>A on the coding strand, the complement: USH2A is on the minus strand). VCF-style: chr1-215999058-C-T. GRCh37 (hg19) VCF-style: chr1-216172400-C-T.
Identifiers: ClinVar variation 48561 (VCV000048561.9), dbSNP rs397518025, ClinGen allele CA143558.

ClinVar aggregate classification (germline): Conflicting classifications of pathogenicity. Review status: criteria provided, conflicting classifications (1 of 4 stars). 4 submissions from 4 submitters: Uncertain significance (2); Likely benign (1). 1 of the submissions does not count toward it. Last evaluated 2022-06-20.

Conditions:
Usher syndrome type 2A. Also called: USHER SYNDROME, TYPE IIA; RETINAL DISEASE IN USHER SYNDROME TYPE IIA, MODIFIER OF. Identifiers: Orphanet 231178, Orphanet 886, MedGen C1848634, MONDO:0010169, OMIM 276901.
Retinitis pigmentosa 39 (RP39). Identifiers: Orphanet 791, MedGen C3151138, MONDO:0013436, OMIM 613809.

Allele frequency attached by ClinVar (database versions not stated): gnomAD exomes below 0.00001.
gnomAD v4.1: 7 of 1,609,486 alleles (0.00043%); highest among the groups gnomAD compares: Middle Eastern, 0.033%; no homozygotes.

Submissions (4):

Labcorp Genetics (formerly Invitae), Labcorp
Classification: Uncertain significance. Last evaluated: 2022-06-20. Review status: criteria provided, single submitter. Criteria: Invitae Variant Classification Sherloc (09022015). Collection method: clinical testing. Allele origin: germline.
Comment: This sequence change affects codon 2162 of the USH2A mRNA. It is a 'silent' change, meaning that it does not change the encoded amino acid sequence of the USH2A protein. It affects a nucleotide within the consensus splice site. This variant is present in population databases (rs397518025, gnomAD no frequency). This variant has not been reported in the literature in individuals affected with USH2A-related conditions. ClinVar contains an entry for this variant (Variation ID: 48561). Variants that disrupt the consensus splice site are a relatively common cause of aberrant splicing (PMID: 17576681, 9536098). Algorithms developed to predict the effect of sequence changes on RNA splicing suggest that this variant may disrupt the consensus splice site. In summary, the available evidence is currently insufficient to determine the role of this variant in disease. Therefore, it has been classified as a Variant of Uncertain Significance.

Blueprint Genetics
Classification: Uncertain significance. Last evaluated: 2019-03-02. Review status: criteria provided, single submitter. Criteria: ACMG Guidelines, 2015. Collection method: clinical testing. Allele origin: germline.

Laboratory for Molecular Medicine, Mass General Brigham Personalized Medicine
Classification: Likely benign. Last evaluated: 2011-01-07. Review status: criteria provided, single submitter. Criteria: LMM Criteria. Collection method: clinical testing. Allele origin: germline. Observed: 1 variant allele.
Comment: Gln2162Gln in exon 34 of USH2A: This variant is not expected to have clinical si gnificance because it does not alter an amino acid residue. This variant occurs in the first base of the exon, which is part of the splice consensus sequence; h owever, computational analyses do not predict an alteration of splicing function .

Counsyl
Classification: Likely benign for Usher syndrome type 2A; Retinitis pigmentosa 39. Last evaluated: 2016-12-23. Review status: no assertion criteria provided. Collection method: clinical testing. Allele origin: unknown. Not counted in ClinVar's aggregate classification.

Literature cited by the submitters: PubMed 17576681 (cited by Labcorp Genetics (formerly Invitae), Labcorp); PubMed 9536098 (cited by Labcorp Genetics (formerly Invitae), Labcorp).